The following is an entry in ClinVar:

NM_001375524.1(TRRAP):c.7507A>G (p.Ile2503Val)

Gene: TRRAP (transformation/transcription domain associated protein; plus strand). Cytogenetic location: 7q22.1.
Variant type: single nucleotide variant.
Coding change: c.7507A>G on transcript NM_001375524.1 (MANE Select); coding-DNA position 7507, A replaced by G.
Protein change: p.Ile2503Val; replaces isoleucine 2503 with valine.
Molecular consequence: missense variant.
Genome position (GRCh38, 1-based): chr7:98,967,693, A>G. VCF-style: chr7-98967693-A-G. GRCh37 (hg19) VCF-style: chr7-98565316-A-G.
Other names: c.7486A>G, p.Ile2496Val (NM_001244580.2); c.7432A>G, p.Ile2478Val (NM_003496.4); short protein forms I2478V, I2496V, I2503V.
Identifiers: ClinVar variation 3462373 (VCV003462373.3).

ClinVar aggregate classification (germline): Conflicting classifications of pathogenicity. Review status: criteria provided, conflicting classifications (1 of 4 stars). 2 submissions from 2 submitters: Uncertain significance (1); Likely benign (1). Last evaluated 2024-10-09.

Conditions:
Inborn genetic diseases. Identifiers: MedGen C0950123, MeSH D030342.

gnomAD v4.1: 57 of 1,613,336 alleles (0.0035%); highest among the groups gnomAD compares: Non-Finnish European, 0.0042%; no homozygotes.

Submissions (2):

Labcorp Genetics (formerly Invitae), Labcorp
Classification: Uncertain significance. Last evaluated: 2024-10-09. Review status: criteria provided, single submitter. Criteria: Invitae Variant Classification Sherloc (09022015). Collection method: clinical testing. Allele origin: germline.
Comment: This sequence change replaces isoleucine, which is neutral and non-polar, with valine, which is neutral and non-polar, at codon 2478 of the TRRAP protein (p.Ile2478Val). This variant is present in population databases (rs143787708, gnomAD 0.007%). This variant has not been reported in the literature in individuals affected with TRRAP-related conditions. Invitae Evidence Modeling of protein sequence and biophysical properties (such as structural, functional, and spatial information, amino acid conservation, physicochemical variation, residue mobility, and thermodynamic stability) indicates that this missense variant is not expected to disrupt TRRAP protein function with a negative predictive value of 80%. In summary, the available evidence is currently insufficient to determine the role of this variant in disease. Therefore, it has been classified as a Variant of Uncertain Significance.

Ambry Genetics
Classification: Likely benign for Inborn genetic diseases. Last evaluated: 2024-09-03. Review status: criteria provided, single submitter. Criteria: Ambry Variant Classification Scheme 2023. Collection method: clinical testing. Allele origin: germline.